The following is an entry in ClinVar:

NM_080632.3(UPF3B):c.272C>T (p.Pro91Leu)

Gene: UPF3B (UPF3B regulator of nonsense mediated mRNA decay; minus strand). Cytogenetic location: Xq24.
Variant type: single nucleotide variant.
Coding change: c.272C>T on transcript NM_080632.3 (MANE Select); coding-DNA position 272, C replaced by T.
Protein change: p.Pro91Leu; replaces proline 91 with leucine.
Molecular consequence: missense variant.
Genome position (GRCh38, 1-based): chrX:119,851,593, G>A on the plus strand (C>T on the coding strand, the complement: UPF3B is on the minus strand). VCF-style: chrX-119851593-G-A. GRCh37 (hg19) VCF-style: chrX-118985556-G-A.
Other names: c.272C>T, p.Pro91Leu (NM_023010.4); short protein forms P91L.
Identifiers: ClinVar variation 1308963 (VCV001308963.2), dbSNP rs2147802316, ClinGen allele CA414185437.

ClinVar aggregate classification (germline): Uncertain significance (1 of 4 stars; one submission).

Submission:

GeneDx
Classification: Uncertain significance. Last evaluated: 2019-10-08. Review status: criteria provided, single submitter. Criteria: GeneDx Variant Classification Process June 2021. Collection method: clinical testing. Allele origin: germline. Affected: yes.
Comment: Not observed in large population cohorts (Lek et al., 2016); In silico analysis, which includes protein predictors and evolutionary conservation, supports a deleterious effect; Has not been previously published as pathogenic or benign to our knowledge